The following is an entry in ClinVar:

ClinVar aggregate classification (germline): Uncertain significance (1 of 4 stars; one submission).

Submission:

GeneDx
Classification: Uncertain significance. Last evaluated: 2024-06-08. Review status: criteria provided, single submitter. Criteria: GeneDx Variant Classification Process June 2021. Collection method: clinical testing. Allele origin: germline. Affected: yes.
Comment: Not observed at significant frequency in large population cohorts (gnomAD); In silico analysis suggests that this missense variant does not alter protein structure/function, but splice predictors indicate that the variant may lead to abnormal gene splicing; Has not been previously published as pathogenic or benign to our knowledge

NM_018026.4(PACS1):c.2201A>G (p.His734Arg)

Gene: PACS1 (phosphofurin acidic cluster sorting protein 1; plus strand). Cytogenetic location: 11q13.2.
Variant type: single nucleotide variant.
Coding change: c.2201A>G on transcript NM_018026.4 (MANE Select); coding-DNA position 2201, A replaced by G.
Protein change: p.His734Arg; replaces histidine 734 with arginine.
Molecular consequence: missense variant.
Genome position (GRCh38, 1-based): chr11:66,235,397, A>G. VCF-style: chr11-66235397-A-G. GRCh37 (hg19) VCF-style: chr11-66002868-A-G.
Other names: short protein forms H734R.
Identifiers: ClinVar variation 3384406 (VCV003384406.1).